The following is an entry in ClinVar:

NM_001377.3(DYNC2H1):c.6161G>C (p.Cys2054Ser)

Gene: DYNC2H1 (dynein cytoplasmic 2 heavy chain 1; plus strand). Cytogenetic location: 11q22.3.
Variant type: single nucleotide variant.
Coding change: c.6161G>C on transcript NM_001377.3 (MANE Select); coding-DNA position 6161, G replaced by C.
Protein change: p.Cys2054Ser; replaces cysteine 2054 with serine.
Molecular consequence: missense variant.
Genome position (GRCh38, 1-based): chr11:103,179,047, G>C. VCF-style: chr11-103179047-G-C. GRCh37 (hg19) VCF-style: chr11-103049776-G-C.
Other names: c.6161G>C, p.Cys2054Ser (NM_001080463.2); short protein forms C2054S.
Identifiers: ClinVar variation 446688 (VCV000446688.4), dbSNP rs1555057838, ClinGen allele CA382246951.

ClinVar aggregate classification (germline): Likely pathogenic. Review status: criteria provided, single submitter (1 of 4 stars). 3 submissions from 3 submitters: Likely pathogenic (1). 2 of the submissions do not count toward it. Last evaluated 2024-02-04.

Conditions:
Jeune thoracic dystrophy. Also called: Jeune syndrome; Infantile thoracic dystrophy; Thoracic pelvic phalangeal dystrophy; Jeune's syndrome; Chondroectodermal dysplasia-like syndrome; Short-rib thoracic dysplasia. Identifiers: Orphanet 474, MedGen C0265275, MONDO:0018770.

gnomAD v4.1: 3 of 1,611,158 alleles (0.00019%); highest among the groups gnomAD compares: Non-Finnish European, 0.00025%; no homozygotes.

Submissions (3):

Labcorp Genetics (formerly Invitae), Labcorp
Classification: Likely pathogenic for Jeune thoracic dystrophy. Last evaluated: 2024-02-04. Review status: criteria provided, single submitter. Criteria: Invitae Variant Classification Sherloc (09022015). Collection method: clinical testing. Allele origin: germline.
Comment: This sequence change replaces cysteine, which is neutral and slightly polar, with serine, which is neutral and polar, at codon 2054 of the DYNC2H1 protein (p.Cys2054Ser). This variant is not present in population databases (gnomAD no frequency). This missense change has been observed in individuals with asphyxiating thoracic dystrophy (PMID: 23339108). ClinVar contains an entry for this variant (Variation ID: 446688). Advanced modeling of protein sequence and biophysical properties (such as structural, functional, and spatial information, amino acid conservation, physicochemical variation, residue mobility, and thermodynamic stability) performed at Invitae indicates that this missense variant is expected to disrupt DYNC2H1 protein function with a positive predictive value of 95%. In summary, the currently available evidence indicates that the variant is pathogenic, but additional data are needed to prove that conclusively. Therefore, this variant has been classified as Likely Pathogenic.

Dan Cohn Lab, University Of California Los Angeles
Classification: Pathogenic for Asphyxiating thoracic dystrophy. Last evaluated: 2017-06-01. Review status: no assertion criteria provided. Collection method: research. Allele origin: unknown. Affected: yes. Not counted in ClinVar's aggregate classification.

University of Washington Center for Mendelian Genomics, University of Washington
Classification: Likely pathogenic for asphyxiating thoracic dystrophy. Review status: no assertion criteria provided. Collection method: research. Allele origin: inherited. Affected: yes. Not counted in ClinVar's aggregate classification.

Literature cited by the submitters: PubMed 23339108 (cited by Labcorp Genetics (formerly Invitae), Labcorp); PubMed 29068549 (cited by Dan Cohn Lab, University Of California Los Angeles and University of Washington Center for Mendelian Genomics, University of Washington).